The following is an entry in ClinVar:

NM_020774.4(MIB1):c.1092+121C>T

Gene: MIB1 (MIB E3 ubiquitin protein ligase 1; plus strand). Cytogenetic location: 18q11.2.
Variant type: single nucleotide variant.
Coding change: c.1092+121C>T on transcript NM_020774.4 (MANE Select); 121 bases into the intron after coding-DNA position 1092, C replaced by T.
Molecular consequence: intron variant.
Genome position (GRCh38, 1-based): chr18:21,791,678, C>T. VCF-style: chr18-21791678-C-T. GRCh37 (hg19) VCF-style: chr18-19371639-C-T.
Identifiers: ClinVar variation 678511 (VCV000678511.1), dbSNP rs78582272, ClinGen allele CA296989183.

ClinVar aggregate classification (germline): Likely benign (1 of 4 stars; one submission).

Allele frequency attached by ClinVar (database versions not stated): 1000 Genomes Project 30x 0.00609; 1000 Genomes Project 0.00619; TOPMed 0.01200; gnomAD 0.01280 and 0.01317; gnomAD exomes 0.01624.
gnomAD v4.1: 11,018 of 707,794 alleles (1.6%); highest among the groups gnomAD compares: Non-Finnish European, 1.9%; 114 homozygotes.

Submission:

GeneDx
Classification: Likely benign. Last evaluated: 2018-06-14. Review status: criteria provided, single submitter. Criteria: GeneDx Variant Classification (06012015). Collection method: clinical testing. Allele origin: germline. Affected: yes.
Comment: This variant is considered likely benign or benign based on one or more of the following criteria: it is a conservative change, it occurs at a poorly conserved position in the protein, it is predicted to be benign by multiple in silico algorithms, and/or has population frequency not consistent with disease.